The following is an entry in ClinVar:

ClinVar aggregate classification (germline): Pathogenic (1 of 4 stars; one submission).

Conditions:
Aortic valve disease 2 (AOVD2). Identifiers: MedGen C3542024, MONDO:0013902, OMIM 614823.

Submission:

Labcorp Genetics (formerly Invitae), Labcorp
Classification: Pathogenic for Aortic valve disease 2. Last evaluated: 2021-06-17. Review status: criteria provided, single submitter. Criteria: Invitae Variant Classification Sherloc (09022015). Collection method: clinical testing. Allele origin: germline.
Comment: For these reasons, this variant has been classified as Pathogenic. This variant disrupts the C-terminus of the TBX5 protein. Other variant(s) that disrupt this region (p.Tyr368) have been determined to be pathogenic (Invitae). This suggests that variants that disrupt this region of the protein are likely to be causative of disease. This variant has not been reported in the literature in individuals with TBX5-related conditions. This variant is not present in population databases (ExAC no frequency). This sequence change creates a premature translational stop signal (p.Ser346*) in the TBX5 gene. While this is not anticipated to result in nonsense mediated decay, it is expected to disrupt the last 173 amino acid(s) of the TBX5 protein.

NM_181486.4(TBX5):c.1037C>A (p.Ser346Ter)

Gene: TBX5 (T-box transcription factor 5; minus strand). Cytogenetic location: 12q24.21.
Variant type: single nucleotide variant.
Coding change: c.1037C>A on transcript NM_181486.4 (MANE Select); coding-DNA position 1037, C replaced by A.
Protein change: p.Ser346Ter; replaces serine 346 with a stop codon.
Molecular consequence: nonsense.
Genome position (GRCh38, 1-based): chr12:114,356,052, G>T on the plus strand (C>A on the coding strand, the complement: TBX5 is on the minus strand). VCF-style: chr12-114356052-G-T. GRCh37 (hg19) VCF-style: chr12-114793857-G-T.
Other names: c.1037C>A, p.Ser346Ter (NM_000192.3); c.887C>A, p.Ser296Ter (NM_080717.4); short protein forms S346*, S296*.
Identifiers: ClinVar variation 1454646 (VCV001454646.8), dbSNP rs2136360259, ClinGen allele CA386925927.
Genomic context (GRCh38, chr12:114,356,052, plus strand): 5'-GCACCCAGGCCCTGCTGCTGTGGATAGCTAGAGCGGTAGAAGGAATCTTCTTCACTGGGT[G>T]ATGTCTCCATGTAGGGCTTCTTATAGGGATGGTCTGTGGTGGAACATTCTTCCTCTGTGA-3'